The following is an entry in ClinVar:

NM_001718.6(BMP6):c.335AGC[8] (p.Gln118_Leu119insGln)

Gene: BMP6 (bone morphogenetic protein 6; plus strand). Cytogenetic location: 6p24.3.
Variant type: Microsatellite.
Coding change: c.335AGC[8] on transcript NM_001718.6 (MANE Select); eight copies in a row of the 3-base unit AGC starting at c.335; the reference has seven copies in a row; one copy, 3 bases duplicated.
Protein change: p.Gln118_Leu119insGln.
Genome position (GRCh38, 1-based): chr6:7,727,308-7,727,310, AGC duplicated; duplicating any 3 consecutive bases within chr6:7,727,290-7,727,310 gives the same sequence; the position shown is the placement nearest the transcript's 3' end. VCF-style (leftmost placement, unchanged base first): chr6-7727289-G-GAGC. GRCh37 (hg19) VCF-style: chr6-7727522-G-GAGC.
Identifiers: ClinVar variation 3037636 (VCV003037636.2), dbSNP rs537332654, ClinGen allele CA3628520.

ClinVar aggregate classification (germline): Benign (0 of 4 stars; one submission).

Conditions:
BMP6-related disorder. Also called: BMP6-related condition.

Submission:

PreventionGenetics, part of Exact Sciences
Classification: Benign for BMP6-related condition. Last evaluated: 2019-12-24. Review status: no assertion criteria provided. Collection method: clinical testing. Allele origin: germline.
Comment: This variant is classified as benign based on ACMG/AMP sequence variant interpretation guidelines (Richards et al. 2015 PMID: 25741868, with internal and published modifications).